The following is an entry in ClinVar:

NM_022051.3(EGLN1):c.884G>T (p.Arg295Leu)

Genes: EGLN1 (egl-9 family hypoxia inducible factor 1; minus strand), LOC129932769 (ATAC-STARR-seq lymphoblastoid active region 2730; plus strand). Cytogenetic location: 1q42.2.
Variant type: single nucleotide variant.
Coding change: c.884G>T on transcript NM_022051.3 (MANE Select); coding-DNA position 884, G replaced by T.
Protein change: p.Arg295Leu; replaces arginine 295 with leucine.
Molecular consequence: missense variant.
Genome position (GRCh38, 1-based): chr1:231,421,005, C>A on the plus strand (G>T on the coding strand, the complement: EGLN1 is on the minus strand). VCF-style: chr1-231421005-C-A. GRCh37 (hg19) VCF-style: chr1-231556751-C-A.
Other names: c.884G>T, p.Arg295Leu (NM_001377260.1, NM_001377261.1); short protein forms R295L.
Identifiers: ClinVar variation 1764877 (VCV001764877.2), dbSNP rs2527358118, ClinGen allele CA345234772.
Genomic context (GRCh38, chr1:231,421,005, plus strand): 5'-GGGCTGCCCGCCGAGAAGGGCCTGTCCAGCACAAACCCGCAGCACACACTTACTTTCGTC[C>A]GGCCATTGATTTTGTAGCTGCCCAGCTTCCCGTTACAGTGGCGTATCAGGTCGTCCATGC-3'
Protein context (NP_071334.1, residues 285-305): GKLGSYKING[Arg295Leu]TKAMVACYPG

ClinVar aggregate classification (germline): Uncertain significance (1 of 4 stars; one submission).

Submission:

Ambry Genetics
Classification: Uncertain significance. Last evaluated: 2021-07-26. Review status: criteria provided, single submitter. Criteria: Ambry Variant Classification Scheme 2023. Collection method: clinical testing. Allele origin: germline.
Comment: The p.R295L variant (also known as c.884G>T), located in coding exon 1 of the EGLN1 gene, results from a G to T substitution at nucleotide position 884. The arginine at codon 295 is replaced by leucine, an amino acid with dissimilar properties. This amino acid position is conserved. In addition, this alteration is predicted to be deleterious by in silico analysis. Since supporting evidence is limited at this time, the clinical significance of this alteration remains unclear.